The following is an entry in ClinVar:

ClinVar aggregate classification (germline): Uncertain significance (1 of 4 stars; one submission).

Conditions:
Asphyxiating thoracic dystrophy 5 (SRTD5). Also called: SHORT-RIB THORACIC DYSPLASIA 5 WITHOUT POLYDACTYLY; SHORT-RIB THORACIC DYSPLASIA 5 WITH OR WITHOUT POLYDACTYLY. Identifiers: Orphanet 474, MedGen C3280598, MONDO:0013717, OMIM 614376.
Senior-Loken syndrome 8 (SLSN8). Identifiers: Orphanet 3156, MedGen C4225376, MONDO:0014579, OMIM 616307.

Submission:

Labcorp Genetics (formerly Invitae), Labcorp
Classification: Uncertain significance for Senior-Loken syndrome 8; Asphyxiating thoracic dystrophy 5. Last evaluated: 2021-12-04. Review status: criteria provided, single submitter. Criteria: Invitae Variant Classification Sherloc (09022015). Collection method: clinical testing. Allele origin: germline.
Comment: In summary, the available evidence is currently insufficient to determine the role of this variant in disease. Therefore, it has been classified as a Variant of Uncertain Significance. Algorithms developed to predict the effect of missense changes on protein structure and function (SIFT, PolyPhen-2, Align-GVGD) all suggest that this variant is likely to be disruptive. This sequence change replaces asparagine, which is neutral and polar, with isoleucine, which is neutral and non-polar, at codon 120 of the WDR19 protein (p.Asn120Ile). This variant is not present in population databases (gnomAD no frequency). This variant has not been reported in the literature in individuals affected with WDR19-related conditions.

NM_025132.4(WDR19):c.359A>T (p.Asn120Ile)

Gene: WDR19 (WD repeat domain 19; plus strand). Cytogenetic location: 4p14.
Variant type: single nucleotide variant.
Coding change: c.359A>T on transcript NM_025132.4 (MANE Select); coding-DNA position 359, A replaced by T.
Protein change: p.Asn120Ile; replaces asparagine 120 with isoleucine.
Molecular consequence: missense variant. On other transcripts: intron variant (1).
Genome position (GRCh38, 1-based): chr4:39,194,612, A>T. VCF-style: chr4-39194612-A-T. GRCh37 (hg19) VCF-style: chr4-39196232-A-T.
Other names: c.-75+4831A>T (NM_001317924.2); short protein forms N120I.
Identifiers: ClinVar variation 1476180 (VCV001476180.6), dbSNP rs2109264782, ClinGen allele CA356631796.